The following is an entry in ClinVar:

NC_000002.11:g.(?_219204486)_(219209704_?)del

Gene: PNKD (PNKD metallo-beta-lactamase domain containing; plus strand). Cytogenetic location: 2q35.
Variant type: Deletion.
Identifiers: ClinVar variation 2426170 (VCV002426170.3).

ClinVar aggregate classification (germline): Uncertain significance (1 of 4 stars; one submission).

Conditions:
Paroxysmal nonkinesigenic dyskinesia. Also called: Paroxysmal non-kinesigenic dyskinesia. Identifiers: Orphanet 98810, MedGen C1869117, MONDO:0700088.

Submission:

Labcorp Genetics (formerly Invitae), Labcorp
Classification: Uncertain significance for Paroxysmal nonkinesigenic dyskinesia. Last evaluated: 2022-08-13. Review status: criteria provided, single submitter. Criteria: Invitae Variant Classification Sherloc (09022015). Collection method: clinical testing. Allele origin: germline.
Comment: This variant is a gross deletion of the genomic region encompassing exon(s) 3-10 of the PNKD gene, which includes the termination codon. This deletion extends beyond the assayed region for this gene and therefore may encompass additional genes. While this deletion is not anticipated to lead to nonsense mediated decay, it is expected to alter mRNA translation or result in a truncated protein product. This variant has not been reported in the literature in individuals affected with PNKD-related conditions. In summary, the available evidence is currently insufficient to determine the role of this variant in disease. Therefore, it has been classified as a Variant of Uncertain Significance.